The following is an entry in ClinVar:

NM_001743.6(CALM2):c.421+10T>G

Gene: CALM2 (calmodulin 2; minus strand). Cytogenetic location: 2p21.
Variant type: single nucleotide variant.
Coding change: c.421+10T>G on transcript NM_001743.6 (MANE Select); 10 bases into the intron after coding-DNA position 421, T replaced by G.
Molecular consequence: intron variant.
Genome position (GRCh38, 1-based): chr2:47,161,713, A>C on the plus strand (T>G on the coding strand, the complement: CALM2 is on the minus strand). VCF-style: chr2-47161713-A-C. GRCh37 (hg19) VCF-style: chr2-47388852-A-C.
Other names: c.565+10T>G (NM_001305624.1); c.313+10T>G (NM_001305626.1, NM_001305625.2).
Identifiers: ClinVar variation 458194 (VCV000458194.8), dbSNP rs1193912501, ClinGen allele CA532334539.

ClinVar aggregate classification (germline): Likely benign. Review status: criteria provided, multiple submitters, no conflicts (2 of 4 stars). 2 submissions from 2 submitters: Likely benign (2). Last evaluated 2025-01-19.

Conditions:
Long QT syndrome 1 (LQT1). Identifiers: Orphanet 101016, Orphanet 768, MedGen C4551647, MONDO:0100316, OMIM 192500, MONDO:0008646.

Allele frequency attached by ClinVar (database versions not stated): gnomAD exomes 0.00001 and 0.00002; TOPMed 0.00003; gnomAD 0.00004.
gnomAD v4.1: 16 of 1,606,496 alleles (0.001%); highest among the groups gnomAD compares: Non-Finnish European, 0.0014%; no homozygotes.

Submissions (2):

Labcorp Genetics (formerly Invitae), Labcorp
Classification: Likely benign for Long QT syndrome 1. Last evaluated: 2025-01-19. Review status: criteria provided, single submitter. Criteria: Invitae Variant Classification Sherloc (09022015). Collection method: clinical testing. Allele origin: germline.

GeneDx
Classification: Likely benign. Last evaluated: 2018-05-02. Review status: criteria provided, single submitter. Criteria: GeneDx Variant Classification (06012015). Collection method: clinical testing. Allele origin: germline. Affected: yes.
Comment: This variant is considered likely benign or benign based on one or more of the following criteria: it is a conservative change, it occurs at a poorly conserved position in the protein, it is predicted to be benign by multiple in silico algorithms, and/or has population frequency not consistent with disease.